The following is an entry in ClinVar:

NM_004820.5(CYP7B1):c.894T>C (p.Ile298=)

Gene: CYP7B1 (cytochrome P450 family 7 subfamily B member 1; minus strand). Cytogenetic location: 8q12.3.
Variant type: single nucleotide variant.
Coding change: c.894T>C on transcript NM_004820.5 (MANE Select); coding-DNA position 894, T replaced by C.
Protein change: p.Ile298=; no amino-acid change (isoleucine 298 retained).
Molecular consequence: synonymous variant.
Genome position (GRCh38, 1-based): chr8:64,615,189, A>G on the plus strand (T>C on the coding strand, the complement: CYP7B1 is on the minus strand). VCF-style: chr8-64615189-A-G. GRCh37 (hg19) VCF-style: chr8-65527746-A-G.
Other names: c.894T>C, p.Ile298= (NM_001324112.2).
Identifiers: ClinVar variation 5001711 (VCV005001711.1).

ClinVar aggregate classification (germline): Likely benign (1 of 4 stars; one submission).

Conditions:
CYP7B1-related disorder. Also called: CYP7B1-related condition.

gnomAD v4.1: 1 of 1,613,362 alleles (0.000062%); highest among the groups gnomAD compares: African/African-American, 0.0013%; no homozygotes.

Submission:

PreventionGenetics, part of Exact Sciences
Classification: Likely benign for CYP7B1-related condition. Last evaluated: 2024-12-06. Review status: criteria provided, single submitter. Criteria: ACMG Guidelines, 2015. Collection method: clinical testing. Allele origin: germline.
Comment: This variant is classified as likely benign based on ACMG/AMP sequence variant interpretation guidelines (Richards et al. 2015 PMID: 25741868, with internal and published modifications).